The following is an entry in ClinVar:

ClinVar aggregate classification (germline): Uncertain significance (1 of 4 stars; one submission).

Conditions:
LAMA2-related muscular dystrophy (LAMA2-RD). Also called: Laminin alpha 2-related dystrophy. Identifiers: MedGen C5679788, MONDO:0100228.

Submission:

Labcorp Genetics (formerly Invitae), Labcorp
Classification: Uncertain significance for LAMA2-related muscular dystrophy. Last evaluated: 2024-05-06. Review status: criteria provided, single submitter. Criteria: Invitae Variant Classification Sherloc (09022015). Collection method: clinical testing. Allele origin: germline.
Comment: This sequence change falls in intron 19 of the LAMA2 gene. It does not directly change the encoded amino acid sequence of the LAMA2 protein. It affects a nucleotide within the consensus splice site. This variant is not present in population databases (gnomAD no frequency). This variant has been observed in individual(s) with clinical features of LAMA2-related conditions (Invitae). In at least one individual the data is consistent with being in trans (on the opposite chromosome) from a pathogenic variant. Variants that disrupt the consensus splice site are a relatively common cause of aberrant splicing (PMID: 17576681, 9536098). Algorithms developed to predict the effect of sequence changes on RNA splicing suggest that this variant may disrupt the consensus splice site. In summary, the available evidence is currently insufficient to determine the role of this variant in disease. Therefore, it has been classified as a Variant of Uncertain Significance.

Literature cited by the submitters: PubMed 17576681; PubMed 9536098.

NM_000426.4(LAMA2):c.2749+2_2749+3insTTT

Gene: LAMA2 (laminin subunit alpha 2; plus strand). Cytogenetic location: 6q22.33.
Variant type: Insertion.
Coding change: c.2749+2_2749+3insTTT on transcript NM_000426.4 (MANE Select); the canonical splice donor site of the intron after coding-DNA position 2749 through 3 bases into the intron after coding-DNA position 2749, TTT inserted.
Molecular consequence: splice donor variant.
Genome position: GRCh38 VCF-style: chr6-129288059-G-GTTT. GRCh37 (hg19) VCF-style: chr6-129609204-G-GTTT.
Other names: c.2749+2_2749+3insTTT (NM_001079823.2).
Identifiers: ClinVar variation 3686603 (VCV003686603.2).